The following is an entry in ClinVar:

NM_001267550.2(TTN):c.25351+5G>A

Gene: TTN (titin; minus strand). Cytogenetic location: 2q31.2.
Variant type: single nucleotide variant.
Coding change: c.25351+5G>A on transcript NM_001267550.2 (MANE Select); 5 bases into the intron after coding-DNA position 25351, G replaced by A.
Molecular consequence: intron variant.
Genome position (GRCh38, 1-based): chr2:178,717,518, C>T on the plus strand (G>A on the coding strand, the complement: TTN is on the minus strand). VCF-style: chr2-178717518-C-T. GRCh37 (hg19) VCF-style: chr2-179582245-C-T.
Other names: c.13282+20564G>A (NM_003319.4); c.13858+20564G>A (NM_133437.4); c.13657+20564G>A (NM_133432.3); c.21619+5G>A (NM_133378.4); c.24400+5G>A (NM_001256850.1).
Identifiers: ClinVar variation 2922086 (VCV002922086.3), dbSNP rs1434006251, ClinGen allele CA538437482.
Genomic context (GRCh38, chr2:178,717,518, plus strand): 5'-AGCCTTTTGGTGGCCTGGAGCAGTGAAGCTGCTTTACAATGAAGAGGGTACTGTGAGTTA[C>T]TCACCTGAGAGAATGAGCTTGGCACTGGATGAAGCAGTCCCAAGAGGATTAGAAGCAGAG-3'

ClinVar aggregate classification (germline): Uncertain significance (1 of 4 stars; one submission).

Conditions:
Dilated cardiomyopathy 1G (CMD1G). Identifiers: Orphanet 154, MedGen C1858763, MONDO:0011400, OMIM 604145.
Autosomal recessive limb-girdle muscular dystrophy type 2J (LGMDR10). Also called: Limb-girdle muscular dystrophy, type 2J; MUSCULAR DYSTROPHY, LIMB-GIRDLE, AUTOSOMAL RECESSIVE 10. Identifiers: Orphanet 140922, MedGen C1837342, MONDO:0012127, OMIM 608807.

Allele frequency attached by ClinVar (database versions not stated): gnomAD exomes below 0.00001.
gnomAD v4.1: 1 of 1,593,316 alleles (0.000063%); highest among the groups gnomAD compares: Non-Finnish European, 0.000086%; no homozygotes.

Submission:

Labcorp Genetics (formerly Invitae), Labcorp
Classification: Uncertain significance for Dilated cardiomyopathy 1G; Autosomal recessive limb-girdle muscular dystrophy type 2J. Last evaluated: 2023-11-19. Review status: criteria provided, single submitter. Criteria: Invitae Variant Classification Sherloc (09022015). Collection method: clinical testing. Allele origin: germline.
Comment: This sequence change falls in intron 87 of the TTN gene. It does not directly change the encoded amino acid sequence of the TTN protein. It affects a nucleotide within the consensus splice site. This variant is present in population databases (no rsID available, gnomAD 0.001%). This variant has not been reported in the literature in individuals affected with TTN-related conditions. Variants that disrupt the consensus splice site are a relatively common cause of aberrant splicing (PMID: 17576681, 9536098). Algorithms developed to predict the effect of sequence changes on RNA splicing suggest that this variant may disrupt the consensus splice site. This variant is located in the I band of TTN (PMID: 25589632). Variants in this region may be clinically relevant, but have not been definitively shown to cause cardiomyopathy or neuromuscular disease (PMID: 27493940, 32778822). In summary, the available evidence is currently insufficient to determine the role of this variant in disease. Therefore, it has been classified as a Variant of Uncertain Significance.

Literature cited by the submitters: PubMed 17576681; PubMed 9536098; PubMed 25589632; PubMed 27493940; PubMed 32778822.